The following is an entry in ClinVar:

ClinVar aggregate classification (germline): Likely pathogenic (1 of 4 stars; one submission).

Submission:

GeneDx
Classification: Likely pathogenic. Last evaluated: 2017-02-27. Review status: criteria provided, single submitter. Criteria: GeneDx Variant Classification (06012015). Collection method: clinical testing. Allele origin: germline. Affected: yes.
Comment: The c.3569+3A>C variant has not been published as a pathogenic variant, nor has it been reported as a benign variant to our knowledge. Several in-silico splice prediction models predict that c.3569+3A>C damages or destroys the natural splice acceptor site in intron 5 and lead to abnormal gene splicing. Furthermore, the c.3569+3A>C variant is not observed in large population cohorts (Lek et al., 2016; 1000 Genomes Consortium et al., 2015; Exome Variant Server). Therefore, this variant is likely pathogenic.

NM_001197104.2(KMT2A):c.3569+3A>C

Gene: KMT2A (lysine methyltransferase 2A; plus strand). Cytogenetic location: 11q23.3.
Variant type: single nucleotide variant.
Coding change: c.3569+3A>C on transcript NM_001197104.2 (MANE Select); 3 bases into the intron after coding-DNA position 3569, A replaced by C.
Molecular consequence: intron variant.
Genome position (GRCh38, 1-based): chr11:118,478,204, A>C. VCF-style: chr11-118478204-A-C. GRCh37 (hg19) VCF-style: chr11-118348919-A-C.
Other names: c.3569+3A>C (NM_005933.4).
Identifiers: ClinVar variation 423826 (VCV000423826.2), dbSNP rs1064796644, ClinGen allele CA16619276.